The following is an entry in ClinVar:

ClinVar aggregate classification (germline): Pathogenic (1 of 4 stars; one submission).

Allele frequency attached by ClinVar (database versions not stated): TOPMed below 0.00001; ExAC 0.00001; ESP Exome Variant Server 0.00008.
gnomAD v4.1: 1 of 1,610,126 alleles (0.000062%); highest among the groups gnomAD compares: Non-Finnish European, 0.000085%; no homozygotes.

Submission:

GeneDx
Classification: Pathogenic. Last evaluated: 2018-10-16. Review status: criteria provided, single submitter. Criteria: GeneDx Variant Classification (06012015). Collection method: clinical testing. Allele origin: germline. Affected: yes.
Comment: The K370X variant in the ATF6 gene has not been reported previously as a pathogenic variant nor as a benign variant, to our knowledge. This variant is predicted to cause loss of normal protein function either through protein truncation or nonsense-mediated mRNA decay. The K370X variant is not observed at a significant frequency in large population cohorts (Lek et al., 2016). We interpret K370X as a pathogenic variant.

NM_007348.4(ATF6):c.1108A>T (p.Lys370Ter)

Gene: ATF6 (activating transcription factor 6; plus strand). Cytogenetic location: 1q23.3.
Variant type: single nucleotide variant.
Coding change: c.1108A>T on transcript NM_007348.4 (MANE Select); coding-DNA position 1108, A replaced by T.
Protein change: p.Lys370Ter; replaces lysine 370 with a stop codon.
Molecular consequence: nonsense.
Genome position (GRCh38, 1-based): chr1:161,821,082, A>T. VCF-style: chr1-161821082-A-T. GRCh37 (hg19) VCF-style: chr1-161790872-A-T.
Other names: short protein forms K370*.
Identifiers: ClinVar variation 620421 (VCV000620421.1), dbSNP rs367613392, ClinGen allele CA1214378.